The following is an entry in ClinVar:

ClinVar aggregate classification (germline): Conflicting classifications of pathogenicity. Review status: criteria provided, conflicting classifications (1 of 4 stars). 5 submissions from 5 submitters: Uncertain significance (1); Likely benign (3). 1 of the submissions does not count toward it. Last evaluated 2026-01-06.

Conditions:
ATM-related disorder. Also called: ATM-related disorders; ATM-related condition.
Hereditary cancer-predisposing syndrome. Also called: Neoplastic Syndromes, Hereditary; Tumor predisposition; Hereditary Cancer Syndrome; Hereditary neoplastic syndrome. Identifiers: Orphanet 140162, MedGen C0027672, MeSH D009386, MONDO:0015356.
Ataxia-telangiectasia syndrome (AT). Also called: ATAXIA-TELANGIECTASIA, COMPLEMENTATION GROUP A; ATAXIA-TELANGIECTASIA, FRESNO VARIANT; Ataxia-telangiectasia; Ataxia-telangiectasia, complementation group D; AT, COMPLEMENTATION GROUP C; Ataxia-telangiectasia, complementation group E. Identifiers: Orphanet 100, MedGen C0004135, MONDO:0008840, OMIM 208900.

Allele frequency attached by ClinVar (database versions not stated): gnomAD 0.00002; TOPMed 0.00002; gnomAD exomes 0.00004; ExAC 0.00009.
gnomAD v4.1: 29 of 1,602,236 alleles (0.0018%); highest among the groups gnomAD compares: Non-Finnish European, 0.0021%; no homozygotes.

Submissions (5):

Labcorp Genetics (formerly Invitae), Labcorp
Classification: Likely benign for Ataxia-telangiectasia syndrome. Last evaluated: 2026-01-06. Review status: criteria provided, single submitter. Criteria: Invitae Variant Classification Sherloc (09022015). Collection method: clinical testing. Allele origin: germline.

Center for Genomic Medicine, Rigshospitalet, Copenhagen University Hospital
Classification: Likely benign. Last evaluated: 2025-03-04. Review status: criteria provided, single submitter. Criteria: ACMG Guidelines, 2015. Collection method: clinical testing. Allele origin: germline.

Color Diagnostics, LLC DBA Color Health
Classification: Uncertain significance for Hereditary cancer-predisposing syndrome. Last evaluated: 2024-04-09. Review status: criteria provided, single submitter. Criteria: ACMG Guidelines, 2015. Collection method: clinical testing. Allele origin: germline.
Comment: This variant causes a G to A nucleotide substitution at the +6 position of intron 38 of the ATM gene. To our knowledge, RNA studies have not been reported for this variant. This variant has not been reported in individuals affected with hereditary cancer in the literature. This variant has been identified in 10/250560 chromosomes in the general population by the Genome Aggregation Database (gnomAD). The available evidence is insufficient to determine the role of this variant in disease conclusively. Therefore, this variant is classified as a Variant of Uncertain Significance.

GeneDx
Classification: Likely benign. Last evaluated: 2018-03-05. Review status: criteria provided, single submitter. Criteria: GeneDx Variant Classification (06012015). Collection method: clinical testing. Allele origin: germline. Affected: yes.
Comment: This variant is considered likely benign or benign based on one or more of the following criteria: it is a conservative change, it occurs at a poorly conserved position in the protein, it is predicted to be benign by multiple in silico algorithms, and/or has population frequency not consistent with disease.

PreventionGenetics, part of Exact Sciences
Classification: Likely benign for ATM-related condition. Last evaluated: 2022-11-30. Review status: no assertion criteria provided. Collection method: clinical testing. Allele origin: germline. Not counted in ClinVar's aggregate classification.
Comment: This variant is classified as likely benign based on ACMG/AMP sequence variant interpretation guidelines (Richards et al. 2015 PMID: 25741868, with internal and published modifications).

NM_000051.4(ATM):c.5762+6G>A

Gene: ATM (ATM serine/threonine kinase; plus strand). Cytogenetic location: 11q22.3.
Variant type: single nucleotide variant.
Coding change: c.5762+6G>A on transcript NM_000051.4 (MANE Select); 6 bases into the intron after coding-DNA position 5762, G replaced by A.
Molecular consequence: intron variant.
Genome position (GRCh38, 1-based): chr11:108,307,990, G>A. VCF-style: chr11-108307990-G-A. GRCh37 (hg19) VCF-style: chr11-108178717-G-A.
Other names: c.5762+6G>A (NM_001351834.2).
Identifiers: ClinVar variation 516571 (VCV000516571.20), dbSNP rs776532221, ClinGen allele CA6265765.